The following is an entry in ClinVar:

NM_000548.5(TSC2):c.3935T>C (p.Val1312Ala)

Gene: TSC2 (TSC complex subunit 2; plus strand). Cytogenetic location: 16p13.3.
Variant type: single nucleotide variant.
Coding change: c.3935T>C on transcript NM_000548.5 (MANE Select); coding-DNA position 3935, T replaced by C.
Protein change: p.Val1312Ala; replaces valine 1312 with alanine.
Molecular consequence: missense variant. On other transcripts: non-coding transcript variant (5).
Genome position (GRCh38, 1-based): chr16:2,083,746, T>C. VCF-style: chr16-2083746-T-C. GRCh37 (hg19) VCF-style: chr16-2133747-T-C.
Other names: c.3734T>C, p.Val1245Ala (NM_001077183.3); c.3866T>C, p.Val1289Ala (NM_001114382.3); c.3626T>C, p.Val1209Ala (NM_001318827.2); c.3590T>C, p.Val1197Ala (NM_001318829.2); c.3203T>C, p.Val1068Ala (NM_001318831.2); c.3767T>C, p.Val1256Ala (NM_001318832.2); c.3737T>C, p.Val1246Ala (NM_001363528.2); c.3803T>C, p.Val1268Ala (NM_001370404.1); and 26 more; short protein forms V1045A, V1046A, V1068A, V1088A, V1089A, V1092A, V1112A, V1196A.
Identifiers: ClinVar variation 3776731 (VCV003776731.1).

ClinVar aggregate classification (germline): Uncertain significance (1 of 4 stars; one submission).

Submission:

GeneDx
Classification: Uncertain significance. Last evaluated: 2024-10-07. Review status: criteria provided, single submitter. Criteria: GeneDx Variant Classification Process June 2021. Collection method: clinical testing. Allele origin: germline. Affected: yes.
Comment: Not observed at significant frequency in large population cohorts (gnomAD); In silico analysis indicates that this missense variant does not alter protein structure/function; Has not been previously published as pathogenic or benign to our knowledge